The following is an entry in ClinVar:

NM_001357.5(DHX9):c.421C>G (p.Arg141Gly)

Gene: DHX9 (DExH-box helicase 9; plus strand). Cytogenetic location: 1q25.3.
Variant type: single nucleotide variant.
Coding change: c.421C>G on transcript NM_001357.5 (MANE Select); coding-DNA position 421, C replaced by G.
Protein change: p.Arg141Gly; replaces arginine 141 with glycine.
Molecular consequence: missense variant. On other transcripts: non-coding transcript variant (1).
Genome position (GRCh38, 1-based): chr1:182,853,362, C>G. VCF-style: chr1-182853362-C-G. GRCh37 (hg19) VCF-style: chr1-182822497-C-G.
Other names: short protein forms R141G.
Identifiers: ClinVar variation 4240422 (VCV004240422.1).

ClinVar aggregate classification (germline): Uncertain significance (1 of 4 stars; one submission).

Conditions:
Inborn genetic diseases. Identifiers: MedGen C0950123, MeSH D030342.

Submission:

Ambry Genetics
Classification: Uncertain significance for Inborn genetic diseases. Last evaluated: 2025-07-21. Review status: criteria provided, single submitter. Criteria: Ambry Variant Classification Scheme 2023. Collection method: clinical testing. Allele origin: germline.
Comment: The c.421C>G (p.R141G) alteration is located in exon 5 (coding exon 4) of the DHX9 gene. This alteration results from a C to G substitution at nucleotide position 421, causing the arginine (R) at amino acid position 141 to be replaced by a glycine (G). This variant was not reported in population-based cohorts in the Genome Aggregation Database (gnomAD). Another variant at the same codon, c.422G>A (p.R141Q), has been identified in individual(s) with features consistent with DHX9-related neurodevelopmental disorder (Calame, 2023). This amino acid position is highly conserved in available vertebrate species. This missense alteration is located in a region that has a low rate of benign missense variation (Lek, 2016; Firth, 2009). This alteration is predicted to be tolerated by in silico analysis. Based on insufficient or conflicting evidence, the clinical significance of this alteration remains unclear.